The following is an entry in ClinVar:

ClinVar aggregate classification (germline): Benign/Likely benign. Review status: criteria provided, multiple submitters, no conflicts (2 of 4 stars). 3 submissions from 3 submitters: Benign (1); Likely benign (2). Last evaluated 2026-04-15.

Conditions:
DICER1-related tumor predisposition. Also called: DICER1-related pleuropulmonary blastoma cancer predisposition syndrome; DICER1 syndrome. Identifiers: Orphanet 284343, MedGen C3839822, MONDO:0100216.
Hereditary cancer-predisposing syndrome. Also called: Hereditary Cancer Syndrome; Hereditary neoplastic syndrome; Neoplastic Syndromes, Hereditary; Tumor predisposition. Identifiers: Orphanet 140162, MedGen C0027672, MeSH D009386, MONDO:0015356.

Allele frequency attached by ClinVar (database versions not stated): gnomAD exomes below 0.00001.
gnomAD v4.1: 1 of 1,613,886 alleles (0.000062%); no homozygotes.

Submissions (3):

Myriad Genetics, Inc.
Classification: Benign for DICER1-related tumor predisposition. Last evaluated: 2026-04-15. Review status: criteria provided, single submitter. Criteria: Myriad Autosomal Dominant, Autosomal Recessive and X-Linked Classification Criteria (2023). Collection method: clinical testing. Allele origin: unknown.
Comment: This variant is considered benign. This variant is a silent/synonymous amino acid change and it is not expected to impact splicing.

Labcorp Genetics (formerly Invitae), Labcorp
Classification: Likely benign for DICER1-related tumor predisposition. Last evaluated: 2025-03-20. Review status: criteria provided, single submitter. Criteria: Invitae Variant Classification Sherloc (09022015). Collection method: clinical testing. Allele origin: germline.

Ambry Genetics
Classification: Likely benign for Hereditary cancer-predisposing syndrome. Last evaluated: 2020-11-03. Review status: criteria provided, single submitter. Criteria: Ambry Variant Classification Scheme 2023. Collection method: clinical testing. Allele origin: germline.

NM_177438.3(DICER1):c.654A>G (p.Glu218=)

Gene: DICER1 (dicer 1, ribonuclease III; minus strand). Cytogenetic location: 14q32.13.
Variant type: single nucleotide variant.
Coding change: c.654A>G on transcript NM_177438.3 (MANE Select); coding-DNA position 654, A replaced by G.
Protein change: p.Glu218=; no amino-acid change (glutamic acid 218 retained).
Molecular consequence: synonymous variant.
Genome position (GRCh38, 1-based): chr14:95,129,552, T>C on the plus strand (A>G on the coding strand, the complement: DICER1 is on the minus strand). VCF-style: chr14-95129552-T-C. GRCh37 (hg19) VCF-style: chr14-95595889-T-C.
Other names: c.654A>G, p.Glu218= (NM_001195573.1, NM_001271282.3, NM_001291628.2 and 1 more transcripts).
Identifiers: ClinVar variation 711255 (VCV000711255.13), dbSNP rs1595457010, ClinGen allele CA487633829.
Genomic context (GRCh38, chr14:95,129,552, plus strand): 5'-AGTTGCAGTTTCAGCATTACTCTTAAGAATTTTCTCTAGTTTCTGAATCTTTTCTTCCAA[T>C]TCCTCTGGATCACATTTCCCATTTAAAATGGAAGCAGTTAGTCCCAAAATGCGAGGACAT-3'
Protein context (NP_803187.1, residues 208-228): SILNGKCDPE[Glu218=]LEEKIQKLEK